The following is an entry in ClinVar:

ClinVar aggregate classification (germline): Uncertain significance. Review status: criteria provided, single submitter (1 of 4 stars). 2 submissions from 2 submitters: Uncertain significance (1). 1 of the submissions does not count toward it. Last evaluated 2022-02-24.

Conditions:
Usher syndrome type 1B (USH1B). Also called: Usher syndrome type IB. Identifiers: MedGen C1848638, MONDO:0700087.

Submissions (2):

Labcorp Genetics (formerly Invitae), Labcorp
Classification: Uncertain significance. Last evaluated: 2022-02-24. Review status: criteria provided, single submitter. Criteria: Invitae Variant Classification Sherloc (09022015). Collection method: clinical testing. Allele origin: germline.
Comment: This sequence change replaces alanine, which is neutral and non-polar, with serine, which is neutral and polar, at codon 1587 of the MYO7A protein (p.Ala1587Ser). This variant is not present in population databases (gnomAD no frequency). This variant has not been reported in the literature in individuals affected with MYO7A-related conditions. ClinVar contains an entry for this variant (Variation ID: 937323). Advanced modeling of protein sequence and biophysical properties (such as structural, functional, and spatial information, amino acid conservation, physicochemical variation, residue mobility, and thermodynamic stability) performed at Invitae indicates that this missense variant is not expected to disrupt MYO7A protein function. In summary, the available evidence is currently insufficient to determine the role of this variant in disease. Therefore, it has been classified as a Variant of Uncertain Significance.

Natera, Inc.
Classification: Uncertain significance for Usher syndrome type 1B. Last evaluated: 2020-03-11. Review status: no assertion criteria provided. Collection method: clinical testing. Allele origin: germline. Not counted in ClinVar's aggregate classification.

NM_000260.4(MYO7A):c.4759G>T (p.Ala1587Ser)

Gene: MYO7A (myosin VIIA; plus strand). Cytogenetic location: 11q13.5.
Variant type: single nucleotide variant.
Coding change: c.4759G>T on transcript NM_000260.4 (MANE Select); coding-DNA position 4759, G replaced by T.
Protein change: p.Ala1587Ser; replaces alanine 1587 with serine.
Molecular consequence: missense variant.
Genome position (GRCh38, 1-based): chr11:77,199,725, G>T. VCF-style: chr11-77199725-G-T. GRCh37 (hg19) VCF-style: chr11-76910770-G-T.
Other names: c.4645G>T, p.Ala1549Ser (NM_001127180.2); c.4612G>T, p.Ala1538Ser (NM_001369365.1); short protein forms A1538S, A1587S, A1549S.
Identifiers: ClinVar variation 937323 (VCV000937323.7), dbSNP rs1956929954, ClinGen allele CA381950875.